The following is an entry in ClinVar:

ClinVar aggregate classification (germline): Uncertain significance (1 of 4 stars; one submission).

Conditions:
Familial adenomatous polyposis 1 (FAP1). Also called: POLYPOSIS, ADENOMATOUS INTESTINAL; FAMILIAL ADENOMATOUS POLYPOSIS 1, ATTENUATED. Identifiers: MedGen C2713442, MONDO:0021056, OMIM 175100. Disease mechanism: loss of function.

Submission:

Labcorp Genetics (formerly Invitae), Labcorp
Classification: Uncertain significance for Familial adenomatous polyposis 1. Last evaluated: 2019-09-18. Review status: criteria provided, single submitter. Criteria: Invitae Variant Classification Sherloc (09022015). Collection method: clinical testing. Allele origin: germline.
Comment: This sequence change replaces glutamine with histidine at codon 1935 of the APC protein (p.Gln1935His). The glutamine residue is highly conserved and there is a small physicochemical difference between glutamine and histidine. This variant is not present in population databases (ExAC no frequency). This variant has not been reported in the literature in individuals with APC-related conditions. Algorithms developed to predict the effect of missense changes on protein structure and function are either unavailable or do not agree on the potential impact of this missense change (SIFT: "Deleterious"; PolyPhen-2: "Possibly Damaging"; Align-GVGD: "Class C0"). In summary, the available evidence is currently insufficient to determine the role of this variant in disease. Therefore, it has been classified as a Variant of Uncertain Significance.

NM_000038.6(APC):c.5805G>C (p.Gln1935His)

Gene: APC (APC regulator of Wnt signaling pathway; plus strand). Cytogenetic location: 5q22.2.
Variant type: single nucleotide variant.
Coding change: c.5805G>C on transcript NM_000038.6 (MANE Select); coding-DNA position 5805, G replaced by C.
Protein change: p.Gln1935His; replaces glutamine 1935 with histidine.
Molecular consequence: missense variant.
Genome position (GRCh38, 1-based): chr5:112,841,399, G>C. VCF-style: chr5-112841399-G-C. GRCh37 (hg19) VCF-style: chr5-112177096-G-C.
Other names: c.5805G>C, p.Gln1935His (NM_001127510.3, NM_001354895.2); c.5751G>C, p.Gln1917His (NM_001127511.3); c.5859G>C, p.Gln1953His (NM_001354896.2); c.5835G>C, p.Gln1945His (NM_001354897.2); c.5730G>C, p.Gln1910His (NM_001354898.2); c.5721G>C, p.Gln1907His (NM_001354899.2); c.5682G>C, p.Gln1894His (NM_001354900.2); c.5628G>C, p.Gln1876His (NM_001354901.2); and 5 more; short protein forms Q1809H, Q1844H, Q1907H, Q1910H, Q1652H, Q1834H, Q1945H, Q1953H.
Identifiers: ClinVar variation 937070 (VCV000937070.11), dbSNP rs377040690, ClinGen allele CA16034030.